The following is an entry in ClinVar:

ClinVar aggregate classification (germline): Uncertain significance. Review status: criteria provided, multiple submitters, no conflicts (2 of 4 stars). 2 submissions from 2 submitters: Uncertain significance (2). Last evaluated 2024-06-26.

Allele frequency attached by ClinVar (database versions not stated): gnomAD exomes below 0.00001; TOPMed below 0.00001; gnomAD 0.00001.
gnomAD v4.1: 4 of 1,613,428 alleles (0.00025%); highest among the groups gnomAD compares: Non-Finnish European, 0.00034%; no homozygotes.

Submissions (2):

GeneDx
Classification: Uncertain significance. Last evaluated: 2024-06-26. Review status: criteria provided, single submitter. Criteria: GeneDx Variant Classification Process June 2021. Collection method: clinical testing. Allele origin: germline. Affected: yes.
Comment: Not observed at significant frequency in large population cohorts (gnomAD); In silico analysis supports that this missense variant has a deleterious effect on protein structure/function; Has not been previously published as pathogenic or benign to our knowledge

Labcorp Genetics (formerly Invitae), Labcorp
Classification: Uncertain significance. Last evaluated: 2021-03-23. Review status: criteria provided, single submitter. Criteria: Invitae Variant Classification Sherloc (09022015). Collection method: clinical testing. Allele origin: germline.
Comment: This variant is not present in population databases (ExAC no frequency). In summary, the available evidence is currently insufficient to determine the role of this variant in disease. Therefore, it has been classified as a Variant of Uncertain Significance. Algorithms developed to predict the effect of missense changes on protein structure and function (SIFT, PolyPhen-2, Align-GVGD) all suggest that this variant is likely to be disruptive, but these predictions have not been confirmed by published functional studies and their clinical significance is uncertain. This variant has not been reported in the literature in individuals with CDH2-related conditions. This sequence change replaces glycine with aspartic acid at codon 356 of the CDH2 protein (p.Gly356Asp). The glycine residue is highly conserved and there is a moderate physicochemical difference between glycine and aspartic acid.

NM_001792.5(CDH2):c.1067G>A (p.Gly356Asp)

Gene: CDH2 (cadherin 2; minus strand). Cytogenetic location: 18q12.1.
Variant type: single nucleotide variant.
Coding change: c.1067G>A on transcript NM_001792.5 (MANE Select); coding-DNA position 1067, G replaced by A.
Protein change: p.Gly356Asp; replaces glycine 356 with aspartic acid.
Molecular consequence: missense variant.
Genome position (GRCh38, 1-based): chr18:27,993,591, C>T on the plus strand (G>A on the coding strand, the complement: CDH2 is on the minus strand). VCF-style: chr18-27993591-C-T. GRCh37 (hg19) VCF-style: chr18-25573555-C-T.
Other names: c.1067G>A (NM_001792.4); c.974G>A, p.Gly325Asp (NM_001308176.2); short protein forms G325D, G356D.
Identifiers: ClinVar variation 1380597 (VCV001380597.9), dbSNP rs2012492387, ClinGen allele CA402111606.